The following is an entry in ClinVar:

NM_001003699.4(RREB1):c.1395C>T (p.Ile465=)

Gene: RREB1 (ras responsive element binding protein 1; plus strand). Cytogenetic location: 6p24.3.
Variant type: single nucleotide variant.
Coding change: c.1395C>T on transcript NM_001003699.4 (MANE Select); coding-DNA position 1395, C replaced by T.
Protein change: p.Ile465=; no amino-acid change (isoleucine 465 retained).
Molecular consequence: synonymous variant.
Genome position (GRCh38, 1-based): chr6:7,229,494, C>T. VCF-style: chr6-7229494-C-T. GRCh37 (hg19) VCF-style: chr6-7229727-C-T.
Other names: c.1395C>T, p.Ile465= (NM_001003698.4, NM_001003700.2, NM_001168344.2).
Identifiers: ClinVar variation 3778361 (VCV003778361.7).

ClinVar aggregate classification (germline): Likely benign (1 of 4 stars; one submission).

gnomAD v4.1: 16 of 1,614,168 alleles (0.00099%); highest among the groups gnomAD compares: African/African-American, 0.008%; no homozygotes.

Submission:

CeGaT Center for Human Genetics Tuebingen
Classification: Likely benign. Last evaluated: 2025-03-01. Review status: criteria provided, single submitter. Criteria: CeGaT Center For Human Genetics Tuebingen Variant Classification Criteria Version 2. Collection method: clinical testing. Allele origin: germline. Affected: yes. Observed: 1 variant allele.
Comment: RREB1: BP4, BP7